The following is an entry in ClinVar:

ClinVar aggregate classification (germline): Uncertain significance (1 of 4 stars; one submission).

Submission:

Labcorp Genetics (formerly Invitae), Labcorp
Classification: Uncertain significance. Last evaluated: 2023-12-11. Review status: criteria provided, single submitter. Criteria: Invitae Variant Classification Sherloc (09022015). Collection method: clinical testing. Allele origin: germline.
Comment: This sequence change replaces histidine, which is basic and polar, with asparagine, which is neutral and polar, at codon 28 of the NUP93 protein (p.His28Asn). This variant is not present in population databases (gnomAD no frequency). This variant has not been reported in the literature in individuals affected with NUP93-related conditions. ClinVar contains an entry for this variant (Variation ID: 2129636). Advanced modeling of protein sequence and biophysical properties (such as structural, functional, and spatial information, amino acid conservation, physicochemical variation, residue mobility, and thermodynamic stability) performed at Invitae indicates that this missense variant is not expected to disrupt NUP93 protein function with a negative predictive value of 80%. In summary, the available evidence is currently insufficient to determine the role of this variant in disease. Therefore, it has been classified as a Variant of Uncertain Significance.

NM_014669.5(NUP93):c.82C>A (p.His28Asn)

Gene: NUP93 (nucleoporin 93; plus strand). Cytogenetic location: 16q13.
Variant type: single nucleotide variant.
Coding change: c.82C>A on transcript NM_014669.5 (MANE Select); coding-DNA position 82, C replaced by A.
Protein change: p.His28Asn; replaces histidine 28 with asparagine.
Molecular consequence: missense variant.
Genome position (GRCh38, 1-based): chr16:56,748,329, C>A. VCF-style: chr16-56748329-C-A. GRCh37 (hg19) VCF-style: chr16-56782241-C-A.
Other names: short protein forms H28N.
Identifiers: ClinVar variation 2129636 (VCV002129636.4), dbSNP rs2543921293, ClinGen allele CA395966239.